The following is an entry in ClinVar:

NM_001540.5(HSPB1):c.109C>T (p.Arg37Trp)

Gene: HSPB1 (heat shock protein family B (small) member 1; plus strand). Cytogenetic location: 7q11.23.
Variant type: single nucleotide variant.
Coding change: c.109C>T on transcript NM_001540.5 (MANE Select); coding-DNA position 109, C replaced by T.
Protein change: p.Arg37Trp; replaces arginine 37 with tryptophan.
Molecular consequence: missense variant.
Genome position (GRCh38, 1-based): chr7:76,302,821, C>T. VCF-style: chr7-76302821-C-T. GRCh37 (hg19) VCF-style: chr7-75932138-C-T.
Other names: short protein forms R37W.
Identifiers: ClinVar variation 2737686 (VCV002737686.3), dbSNP rs763098034, ClinGen allele CA4306258.
Genomic context (GRCh38, chr7:76,302,821, plus strand): 5'-GACCCCTTCCGCGACTGGTACCCGCATAGCCGCCTCTTCGACCAGGCCTTCGGGCTGCCC[C>T]GGCTGCCGGAGGAGTGGTCGCAGTGGTTAGGCGGCAGCAGCTGGCCAGGCTACGTGCGCC-3'
Protein context (NP_001531.1, residues 27-47): RLFDQAFGLP[Arg37Trp]LPEEWSQWLG

ClinVar aggregate classification (germline): Uncertain significance (1 of 4 stars; one submission).

Conditions:
Charcot-Marie-Tooth disease axonal type 2F (CMT2F). Also called: CHARCOT-MARIE-TOOTH DISEASE, NEURONAL, TYPE 2F; Charcot-Marie-Tooth Neuropathy Type 2F. Identifiers: Orphanet 99940, MedGen C1847823, MONDO:0011687, OMIM 606595.

Allele frequency attached by ClinVar (database versions not stated): TOPMed 0.00002; gnomAD 0.00003; ExAC 0.00004.
gnomAD v4.1: 26 of 1,606,480 alleles (0.0016%); highest among the groups gnomAD compares: Admixed American, 0.018%; no homozygotes.

Submission:

Labcorp Genetics (formerly Invitae), Labcorp
Classification: Uncertain significance for Charcot-Marie-Tooth disease axonal type 2F. Last evaluated: 2024-02-07. Review status: criteria provided, single submitter. Criteria: Invitae Variant Classification Sherloc (09022015). Collection method: clinical testing. Allele origin: germline.
Comment: This sequence change replaces arginine, which is basic and polar, with tryptophan, which is neutral and slightly polar, at codon 37 of the HSPB1 protein (p.Arg37Trp). The frequency data for this variant in the population databases is considered unreliable, as metrics indicate poor data quality at this position in the gnomAD database. This variant has not been reported in the literature in individuals affected with HSPB1-related conditions. Advanced modeling of protein sequence and biophysical properties (such as structural, functional, and spatial information, amino acid conservation, physicochemical variation, residue mobility, and thermodynamic stability) has been performed at Invitae for this missense variant, however the output from this modeling did not meet the statistical confidence thresholds required to predict the impact of this variant on HSPB1 protein function. In summary, the available evidence is currently insufficient to determine the role of this variant in disease. Therefore, it has been classified as a Variant of Uncertain Significance.